The following is an entry in ClinVar:

ClinVar aggregate classification (germline): Uncertain significance (1 of 4 stars; one submission).

gnomAD v4.1: 21 of 1,563,908 alleles (0.0013%); highest among the groups gnomAD compares: Non-Finnish European, 0.0017%; no homozygotes.

Submission:

Women's Health and Genetics/Laboratory Corporation of America, LabCorp
Classification: Uncertain significance. Last evaluated: 2024-11-20. Review status: criteria provided, single submitter. Criteria: LabCorp Variant Classification Summary - May 2015. Collection method: clinical testing. Allele origin: germline.
Comment: Variant summary: GMNN c.625A>C (p.Ile209Leu) results in a conservative amino acid change in the encoded protein sequence. Five of five in-silico tools predict a benign effect of the variant on protein function. The variant allele was found at a frequency of 4.6e-06 in 217072 control chromosomes. The available data on variant occurrences in the general population are insufficient to allow any conclusion about variant significance. To our knowledge, no occurrence of c.625A>C in individuals affected with Meier-Gorlin Syndrome 6 and no experimental evidence demonstrating its impact on protein function have been reported. No submitters have cited clinical-significance assessments for this variant to ClinVar. Based on the evidence outlined above, the variant was classified as uncertain significance.

NM_015895.5(GMNN):c.625A>C (p.Ile209Leu)

Gene: GMNN (geminin DNA replication inhibitor; plus strand). Cytogenetic location: 6p22.3.
Variant type: single nucleotide variant.
Coding change: c.625A>C on transcript NM_015895.5 (MANE Select); coding-DNA position 625, A replaced by C.
Protein change: p.Ile209Leu; replaces isoleucine 209 with leucine.
Molecular consequence: missense variant.
Genome position (GRCh38, 1-based): chr6:24,785,794, A>C. VCF-style: chr6-24785794-A-C. GRCh37 (hg19) VCF-style: chr6-24786022-A-C.
Other names: c.625A>C, p.Ile209Leu (NM_001251989.2, NM_001251990.2, NM_001251991.1); short protein forms I209L.
Identifiers: ClinVar variation 3629963 (VCV003629963.1).